The following is an entry in ClinVar:

NM_012469.4(PRPF6):c.2205+4C>T

Gene: PRPF6 (pre-mRNA processing factor 6; plus strand). Cytogenetic location: 20q13.33.
Variant type: single nucleotide variant.
Coding change: c.2205+4C>T on transcript NM_012469.4 (MANE Select); 4 bases into the intron after coding-DNA position 2205, C replaced by T.
Molecular consequence: intron variant.
Genome position (GRCh38, 1-based): chr20:64,027,162, C>T. VCF-style: chr20-64027162-C-T. GRCh37 (hg19) VCF-style: chr20-62658515-C-T.
Identifiers: ClinVar variation 1904617 (VCV001904617.6), dbSNP rs759534200, ClinGen allele CA9972387.
Genomic context (GRCh38, chr20:64,027,162, plus strand): 5'-CAGATCGAGGAGCAGAAGGAGATGATGGAGAAGGCGCGGGAAGCCTATAACCAGGGGGTA[C>T]GTCTCTGCCTGCACCCTGGGGCTGCAGCTGACCCGGCATTCACAAAACTGAGCCCCCTGG-3'

ClinVar aggregate classification (germline): Conflicting classifications of pathogenicity. Review status: criteria provided, conflicting classifications (1 of 4 stars). 2 submissions from 2 submitters: Uncertain significance (1); Likely benign (1). Last evaluated 2024-10-13.

Allele frequency attached by ClinVar (database versions not stated): ExAC 0.00002; gnomAD 0.00003; TOPMed 0.00003; gnomAD exomes 0.00005.
gnomAD v4.1: 77 of 1,612,764 alleles (0.0048%); highest among the groups gnomAD compares: Non-Finnish European, 0.0062%; no homozygotes.

Submissions (2):

Labcorp Genetics (formerly Invitae), Labcorp
Classification: Uncertain significance. Last evaluated: 2024-10-13. Review status: criteria provided, single submitter. Criteria: Invitae Variant Classification Sherloc (09022015). Collection method: clinical testing. Allele origin: germline.
Comment: This sequence change falls in intron 16 of the PRPF6 gene. It does not directly change the encoded amino acid sequence of the PRPF6 protein. It affects a nucleotide within the consensus splice site. This variant is present in population databases (rs759534200, gnomAD 0.006%). This variant has not been reported in the literature in individuals affected with PRPF6-related conditions. ClinVar contains an entry for this variant (Variation ID: 1904617). Variants that disrupt the consensus splice site are a relatively common cause of aberrant splicing (PMID: 17576681, 9536098). Algorithms developed to predict the effect of sequence changes on RNA splicing suggest that this variant is not likely to affect RNA splicing. In summary, the available evidence is currently insufficient to determine the role of this variant in disease. Therefore, it has been classified as a Variant of Uncertain Significance.

Blueprint Genetics
Classification: Likely benign. Last evaluated: 2023-11-17. Review status: criteria provided, single submitter. Criteria: ACMG Guidelines, 2015. Collection method: clinical testing. Allele origin: germline.

Literature cited by the submitters: PubMed 17576681 (cited by Labcorp Genetics (formerly Invitae), Labcorp); PubMed 9536098 (cited by Labcorp Genetics (formerly Invitae), Labcorp).